The following is an entry in ClinVar:

NM_001452.2(FOXF2):c.663G>A (p.Leu221=)

Genes: FOXF2 (forkhead box F2; plus strand), FOXF2-DT (FOXF2 divergent transcript; minus strand). Cytogenetic location: 6p25.3.
Variant type: single nucleotide variant.
Coding change: c.663G>A on transcript NM_001452.2 (MANE Select); coding-DNA position 663, G replaced by A.
Protein change: p.Leu221=; no amino-acid change (leucine 221 retained).
Molecular consequence: synonymous variant.
Genome position (GRCh38, 1-based): chr6:1,390,610, G>A. VCF-style: chr6-1390610-G-A. GRCh37 (hg19) VCF-style: chr6-1390845-G-A.
Identifiers: ClinVar variation 3057858 (VCV003057858.2), dbSNP rs1487766260, ClinGen allele CA448392868.
Genomic context (GRCh38, chr6:1,390,610, plus strand): 5'-GGCGCTCAAGCCCATGTACCACCGCGTGGTGAGCGGCTTGGGCTTCGGGGCGTCGCTGCT[G>A]CCCCAGGGCTTCGACTTCCAGGCGCCCCCGTCGGCGCCGCTCGGCTGCCACAGCCAGGGC-3'
Protein context (NP_001443.1, residues 211-231): VSGLGFGASL[Leu221=]PQGFDFQAPP

ClinVar aggregate classification (germline): Likely benign (0 of 4 stars; one submission).

Conditions:
FOXF2-related disorder. Also called: FOXF2-related condition.

Allele frequency attached by ClinVar (database versions not stated): gnomAD exomes below 0.00001; TOPMed 0.00001.
gnomAD v4.1: 3 of 1,591,256 alleles (0.00019%); highest among the groups gnomAD compares: Non-Finnish European, 0.00026%; no homozygotes.

Submission:

PreventionGenetics, part of Exact Sciences
Classification: Likely benign for FOXF2-related condition. Last evaluated: 2019-03-09. Review status: no assertion criteria provided. Collection method: clinical testing. Allele origin: germline.
Comment: This variant is classified as likely benign based on ACMG/AMP sequence variant interpretation guidelines (Richards et al. 2015 PMID: 25741868, with internal and published modifications).